The following is an entry in ClinVar:

ClinVar aggregate classification (germline): Uncertain significance (1 of 4 stars; one submission).

Allele frequency attached by ClinVar (database versions not stated): gnomAD exomes 0.00001.
gnomAD v4.1: 6 of 1,376,086 alleles (0.00044%); highest among the groups gnomAD compares: Non-Finnish European, 0.00057%; no homozygotes.

Submission:

Labcorp Genetics (formerly Invitae), Labcorp
Classification: Uncertain significance. Last evaluated: 2022-07-28. Review status: criteria provided, single submitter. Criteria: Invitae Variant Classification Sherloc (09022015). Collection method: clinical testing. Allele origin: germline.
Comment: This sequence change replaces valine, which is neutral and non-polar, with isoleucine, which is neutral and non-polar, at codon 23 of the COL18A1 protein (p.Val23Ile). The frequency data for this variant in the population databases is considered unreliable, as metrics indicate poor data quality at this position in the gnomAD database. This variant has not been reported in the literature in individuals affected with COL18A1-related conditions. Experimental studies and prediction algorithms are not available or were not evaluated, and the functional significance of this variant is currently unknown. In summary, the available evidence is currently insufficient to determine the role of this variant in disease. Therefore, it has been classified as a Variant of Uncertain Significance.

NM_001379500.1(COL18A1):c.67G>A (p.Val23Ile)

Genes: BNAT1 (breast cancer associated ESR1 regulating natural antisense transcript 1; minus strand), COL18A1 (collagen type XVIII alpha 1 chain; plus strand). Cytogenetic location: 21q22.3.
Variant type: single nucleotide variant.
Coding change: c.67G>A on transcript NM_001379500.1 (MANE Select); coding-DNA position 67, G replaced by A.
Protein change: p.Val23Ile; replaces valine 23 with isoleucine.
Molecular consequence: missense variant.
Genome position (GRCh38, 1-based): chr21:45,405,434, G>A. VCF-style: chr21-45405434-G-A. GRCh37 (hg19) VCF-style: chr21-46825349-G-A.
Other names: short protein forms V23I.
Identifiers: ClinVar variation 2074722 (VCV002074722.1), dbSNP rs1432442060, ClinGen allele CA410620363.